The following is an entry in ClinVar:

ClinVar aggregate classification (germline): Uncertain significance (1 of 4 stars; one submission).

gnomAD v4.1: 10 of 1,613,906 alleles (0.00062%); highest among the groups gnomAD compares: African/African-American, 0.013%; no homozygotes.

Submission:

Labcorp Genetics (formerly Invitae), Labcorp
Classification: Uncertain significance. Last evaluated: 2024-03-15. Review status: criteria provided, single submitter. Criteria: Invitae Variant Classification Sherloc (09022015). Collection method: clinical testing. Allele origin: germline.
Comment: This sequence change replaces alanine, which is neutral and non-polar, with valine, which is neutral and non-polar, at codon 1812 of the NYNRIN protein (p.Ala1812Val). This variant is present in population databases (rs770409484, gnomAD 0.01%). This variant has not been reported in the literature in individuals affected with NYNRIN-related conditions. Algorithms developed to predict the effect of missense changes on protein structure and function output the following: SIFT: "Not Available"; PolyPhen-2: "Not Available"; Align-GVGD: "Not Available". The valine amino acid residue is found in multiple mammalian species, which suggests that this missense change does not adversely affect protein function. In summary, the available evidence is currently insufficient to determine the role of this variant in disease. Therefore, it has been classified as a Variant of Uncertain Significance.

NM_025081.3(NYNRIN):c.5435C>T (p.Ala1812Val)

Gene: NYNRIN (NYN domain and retroviral integrase containing; plus strand). Cytogenetic location: 14q12.
Variant type: single nucleotide variant.
Coding change: c.5435C>T on transcript NM_025081.3 (MANE Select); coding-DNA position 5435, C replaced by T.
Protein change: p.Ala1812Val; replaces alanine 1812 with valine.
Molecular consequence: missense variant.
Genome position (GRCh38, 1-based): chr14:24,417,184, C>T. VCF-style: chr14-24417184-C-T. GRCh37 (hg19) VCF-style: chr14-24886390-C-T.
Other names: short protein forms A1812V.
Identifiers: ClinVar variation 3632172 (VCV003632172.2).